The following is an entry in ClinVar:

NM_024675.4(PALB2):c.2591C>A (p.Pro864His)

Gene: PALB2 (partner and localizer of BRCA2; minus strand). Cytogenetic location: 16p12.2.
Variant type: single nucleotide variant.
Coding change: c.2591C>A on transcript NM_024675.4 (MANE Select); coding-DNA position 2591, C replaced by A.
Protein change: p.Pro864His; replaces proline 864 with histidine.
Molecular consequence: missense variant.
Genome position (GRCh38, 1-based): chr16:23,626,393, G>T on the plus strand (C>A on the coding strand, the complement: PALB2 is on the minus strand). VCF-style: chr16-23626393-G-T. GRCh37 (hg19) VCF-style: chr16-23637714-G-T.
Other names: short protein forms P864H.
Identifiers: ClinVar variation 1691947 (VCV001691947.4), dbSNP rs2142356686, ClinGen allele CA395122265.
Genomic context (GRCh38, chr16:23,626,393, plus strand): 5'-TCTTTACAACCGGCTCTTTCCCAAAACATGGCACTCACATCTACGGAACAGGAACCTGAA[G>T]GATTCTGACACAATGGCAACAGTTCTGTTAAAGTGGCACTCGAGTGCTGTTTTATGCAAA-3'
Protein context (NP_078951.2, residues 854-874): NLQLVSELKN[Pro864His]SGSCSVDVSA

ClinVar aggregate classification (germline): Uncertain significance. Review status: criteria provided, multiple submitters, no conflicts (2 of 4 stars). 2 submissions from 2 submitters: Uncertain significance (2). Last evaluated 2023-02-10.

Conditions:
Hereditary cancer-predisposing syndrome. Also called: Hereditary Cancer Syndrome; Hereditary neoplastic syndrome; Neoplastic Syndromes, Hereditary; Tumor predisposition. Identifiers: Orphanet 140162, MedGen C0027672, MeSH D009386, MONDO:0015356.
Familial cancer of breast. Also called: BREAST CANCER, FAMILIAL; Hereditary breast cancer; hereditary breast carcinoma. Identifiers: Orphanet 227535, MedGen C0346153, MONDO:0016419, OMIM 114480. Disease mechanism: loss of function.

Submissions (2):

Labcorp Genetics (formerly Invitae), Labcorp
Classification: Uncertain significance for Familial cancer of breast. Last evaluated: 2023-02-10. Review status: criteria provided, single submitter. Criteria: Invitae Variant Classification Sherloc (09022015). Collection method: clinical testing. Allele origin: germline.
Comment: This sequence change replaces proline, which is neutral and non-polar, with histidine, which is basic and polar, at codon 864 of the PALB2 protein (p.Pro864His). This variant is not present in population databases (gnomAD no frequency). In summary, the available evidence is currently insufficient to determine the role of this variant in disease. Therefore, it has been classified as a Variant of Uncertain Significance. Algorithms developed to predict the effect of sequence changes on RNA splicing suggest that this variant may disrupt the consensus splice site. Advanced modeling of protein sequence and biophysical properties (such as structural, functional, and spatial information, amino acid conservation, physicochemical variation, residue mobility, and thermodynamic stability) performed at Invitae indicates that this missense variant is not expected to disrupt PALB2 protein function. ClinVar contains an entry for this variant (Variation ID: 1691947). This variant has not been reported in the literature in individuals affected with PALB2-related conditions.

Sema4
Classification: Uncertain significance for Hereditary cancer-predisposing syndrome. Last evaluated: 2021-08-23. Review status: criteria provided, single submitter. Criteria: Sema4 Curation Guidelines. Collection method: curation. Allele origin: germline.
Comment: The PALB2 c.2591C>A (p.P864H) variant has not been reported in the literature to our knowledge. It was not observed in the large and broad cohorts of the Genome Aggregation Database, nor has it been reported in ClinVar. In silico tools suggest the impact of the variant on protein function is benign, though these predictions have not been confirmed by functional studies. The evidence is insufficient to meet ACMG/AMP criteria for classifying the variant as benign or pathogenic. Thus, the clinical significance of this variant is currently uncertain.